The following is an entry in ClinVar:

ClinVar aggregate classification (germline): Uncertain significance. Review status: criteria provided, multiple submitters, no conflicts (2 of 4 stars). 2 submissions from 2 submitters: Uncertain significance (2). Last evaluated 2024-06-12.

Conditions:
Cone-rod dystrophy 6 (CORD6). Also called: Cone dystrophy progressive; RETINAL CONE DYSTROPHY 2. Identifiers: Orphanet 1872, MedGen C1866293, MONDO:0011143, OMIM 601777.
Leber congenital amaurosis 1 (LCA1). Also called: Congenital absence of the rods and cones; Leber's congenital tapetoretinal degeneration; Leber's congenital tapetoretinal dysplasia; AMAUROSIS CONGENITA OF LEBER I; RETINAL BLINDNESS, CONGENITAL. Identifiers: Orphanet 65, MedGen C2931258, MONDO:0008764, OMIM 204000.

Allele frequency attached by ClinVar (database versions not stated): gnomAD exomes below 0.00001 and 0.00001; TOPMed below 0.00001; gnomAD 0.00001.
gnomAD v4.1: 4 of 1,613,332 alleles (0.00025%); highest among the groups gnomAD compares: Non-Finnish European, 0.00034%; no homozygotes.

Submissions (2):

Blueprint Genetics
Classification: Uncertain significance. Last evaluated: 2024-06-12. Review status: criteria provided, single submitter. Criteria: ACMG Guidelines, 2015. Collection method: clinical testing. Allele origin: germline.

Labcorp Genetics (formerly Invitae), Labcorp
Classification: Uncertain significance for Leber congenital amaurosis 1; Cone-rod dystrophy 6. Last evaluated: 2022-10-13. Review status: criteria provided, single submitter. Criteria: Invitae Variant Classification Sherloc (09022015). Collection method: clinical testing. Allele origin: germline.
Comment: This sequence change replaces proline, which is neutral and non-polar, with leucine, which is neutral and non-polar, at codon 289 of the GUCY2D protein (p.Pro289Leu). The frequency data for this variant in the population databases is considered unreliable, as metrics indicate poor data quality at this position in the gnomAD database. This variant has not been reported in the literature in individuals affected with GUCY2D-related conditions. ClinVar contains an entry for this variant (Variation ID: 1465596). Advanced modeling of protein sequence and biophysical properties (such as structural, functional, and spatial information, amino acid conservation, physicochemical variation, residue mobility, and thermodynamic stability) performed at Invitae indicates that this missense variant is not expected to disrupt GUCY2D protein function. In summary, the available evidence is currently insufficient to determine the role of this variant in disease. Therefore, it has been classified as a Variant of Uncertain Significance.

NM_000180.4(GUCY2D):c.866C>T (p.Pro289Leu)

Gene: GUCY2D (guanylate cyclase 2D, retinal; plus strand). Cytogenetic location: 17p13.1.
Variant type: single nucleotide variant.
Coding change: c.866C>T on transcript NM_000180.4 (MANE Select); coding-DNA position 866, C replaced by T.
Protein change: p.Pro289Leu; replaces proline 289 with leucine.
Molecular consequence: missense variant.
Genome position (GRCh38, 1-based): chr17:8,003,996, C>T. VCF-style: chr17-8003996-C-T. GRCh37 (hg19) VCF-style: chr17-7907314-C-T.
Other names: short protein forms P289L.
Identifiers: ClinVar variation 1465596 (VCV001465596.4), dbSNP rs1350341897, ClinGen allele CA397945717.
Genomic context (GRCh38, chr17:8,003,996, plus strand): 5'-CCGATGGCTCCCTGGTCTTCCTGCCCTTCGACACGATCCACTACGCCTTGTCCCCAGGCC[C>T]GGAGGCCTTGGCCGCACTCGCCAACAGCTCCCAGCTTCGCAGGGCCCACGATGCCGTGCT-3'
Protein context (NP_000171.1, residues 279-299): DTIHYALSPG[Pro289Leu]EALAALANSS